The following is an entry in ClinVar:

ClinVar aggregate classification (germline): Uncertain significance (1 of 4 stars; one submission).

Conditions:
Familial thoracic aortic aneurysm and aortic dissection (TAAD). Also called: Thoracic aortic aneurysms and dissections. Identifiers: Orphanet 91387, MedGen C4707243, MONDO:0019625.
Hereditary cancer-predisposing syndrome. Also called: Neoplastic Syndromes, Hereditary; Tumor predisposition; Hereditary Cancer Syndrome; Hereditary neoplastic syndrome. Identifiers: Orphanet 140162, MedGen C0027672, MeSH D009386, MONDO:0015356.

Submission:

Ambry Genetics
Classification: Uncertain significance for Hereditary cancer-predisposing syndrome; Familial thoracic aortic aneurysm and aortic dissection. Last evaluated: 2025-07-13. Review status: criteria provided, single submitter. Criteria: Ambry Variant Classification Scheme 2023. Collection method: clinical testing. Allele origin: germline.
Comment: The p.V126I variant (also known as c.376G>A), located in coding exon 2 of the SMAD4 gene, results from a G to A substitution at nucleotide position 376. The valine at codon 126 is replaced by isoleucine, an amino acid with highly similar properties. This amino acid position is conserved. In addition, the in silico prediction for this alteration is inconclusive. Based on the available evidence, the clinical significance of this variant remains unclear.

NM_005359.6(SMAD4):c.376G>A (p.Val126Ile)

Gene: SMAD4 (SMAD family member 4; plus strand). Cytogenetic location: 18q21.2.
Variant type: single nucleotide variant.
Coding change: c.376G>A on transcript NM_005359.6 (MANE Select); coding-DNA position 376, G replaced by A.
Protein change: p.Val126Ile; replaces valine 126 with isoleucine.
Molecular consequence: missense variant. On other transcripts: non-coding transcript variant (2).
Genome position (GRCh38, 1-based): chr18:51,048,812, G>A. VCF-style: chr18-51048812-G-A. GRCh37 (hg19) VCF-style: chr18-48575182-G-A.
Other names: c.376G>A, p.Val126Ile (NM_001407041.1, NM_001407042.1, NM_001407043.1); short protein forms V126I.
Identifiers: ClinVar variation 4170042 (VCV004170042.1).